The following is an entry in ClinVar:

NM_130384.3(ATRIP):c.1052G>A (p.Gly351Asp)

Genes: ATRIP (ATR interacting protein; plus strand), ATRIP-TREX1 (ATRIP-TREX1 readthrough; plus strand). Cytogenetic location: 3p21.31.
Variant type: single nucleotide variant.
Coding change: c.1052G>A on transcript NM_130384.3 (MANE Select); coding-DNA position 1052, G replaced by A.
Protein change: p.Gly351Asp; replaces glycine 351 with aspartic acid.
Molecular consequence: missense variant. On other transcripts: non-coding transcript variant (1).
Genome position (GRCh38, 1-based): chr3:48,459,913, G>A. VCF-style: chr3-48459913-G-A. GRCh37 (hg19) VCF-style: chr3-48501312-G-A.
Other names: c.671G>A, p.Gly224Asp (NM_001271022.2); c.773G>A, p.Gly258Asp (NM_001271023.2); c.1052G>A, p.Gly351Asp (NM_032166.4); short protein forms G258D, G224D, G351D.
Identifiers: ClinVar variation 4842168 (VCV004842168.1).

ClinVar aggregate classification (germline): Uncertain significance (1 of 4 stars; one submission).

Submission:

Ambry Genetics
Classification: Uncertain significance. Last evaluated: 2025-12-22. Review status: criteria provided, single submitter. Criteria: Ambry Variant Classification Scheme 2023. Collection method: clinical testing. Allele origin: germline.
Comment: The p.G351D variant (also known as c.1052G>A), located in coding exon 7 of the ATRIP gene, results from a G to A substitution at nucleotide position 1052. The glycine at codon 351 is replaced by aspartic acid, an amino acid with similar properties. This amino acid position is conserved. In addition, this alteration is predicted to be tolerated by in silico analysis. Based on the available evidence, the clinical significance of this variant remains unclear.